The following is an entry in ClinVar:

ClinVar aggregate classification (germline): Uncertain significance. Review status: criteria provided, multiple submitters, no conflicts (2 of 4 stars). 2 submissions from 2 submitters: Uncertain significance (2). Last evaluated 2025-06-15.

Conditions:
Neuroblastoma, susceptibility to, 3. Also called: ALK-Related Neuroblastic Tumor Susceptibility. Identifiers: Orphanet 635, MedGen C2751681, MONDO:0013083, OMIM 613014.
Hereditary cancer-predisposing syndrome. Also called: Hereditary neoplastic syndrome; Neoplastic Syndromes, Hereditary; Tumor predisposition; Hereditary Cancer Syndrome. Identifiers: Orphanet 140162, MedGen C0027672, MeSH D009386, MONDO:0015356.

Allele frequency attached by ClinVar (database versions not stated): gnomAD exomes below 0.00001.
gnomAD v4.1: 2 of 1,614,152 alleles (0.00012%); highest among the groups gnomAD compares: East Asian, 0.0022%; no homozygotes.

Submissions (2):

Labcorp Genetics (formerly Invitae), Labcorp
Classification: Uncertain significance for Neuroblastoma, susceptibility to, 3. Last evaluated: 2025-06-15. Review status: criteria provided, single submitter. Criteria: Invitae Variant Classification Sherloc (09022015). Collection method: clinical testing. Allele origin: germline.
Comment: This sequence change replaces isoleucine, which is neutral and non-polar, with threonine, which is neutral and polar, at codon 362 of the ALK protein (p.Ile362Thr). This variant is present in population databases (no rsID available, gnomAD 0.0009%). This variant has not been reported in the literature in individuals affected with ALK-related conditions. ClinVar contains an entry for this variant (Variation ID: 1005559). An algorithm developed to predict the effect of missense changes on protein structure and function (PolyPhen-2) suggests that this variant is likely to be tolerated. In summary, the available evidence is currently insufficient to determine the role of this variant in disease. Therefore, it has been classified as a Variant of Uncertain Significance.

Ambry Genetics
Classification: Uncertain significance for Hereditary cancer-predisposing syndrome. Last evaluated: 2025-04-03. Review status: criteria provided, single submitter. Criteria: Ambry Variant Classification Scheme 2023. Collection method: clinical testing. Allele origin: germline.
Comment: The p.I362T variant (also known as c.1085T>C), located in coding exon 4 of the ALK gene, results from a T to C substitution at nucleotide position 1085. The isoleucine at codon 362 is replaced by threonine, an amino acid with similar properties. This amino acid position is conserved. In addition, this alteration is predicted to be tolerated by in silico analysis. Since supporting evidence is limited at this time, the clinical significance of this alteration remains unclear.

NM_004304.5(ALK):c.1085T>C (p.Ile362Thr)

Gene: ALK (ALK receptor tyrosine kinase; minus strand). Cytogenetic location: 2p23.2.
Variant type: single nucleotide variant.
Coding change: c.1085T>C on transcript NM_004304.5 (MANE Select); coding-DNA position 1085, T replaced by C.
Protein change: p.Ile362Thr; replaces isoleucine 362 with threonine.
Molecular consequence: missense variant.
Genome position (GRCh38, 1-based): chr2:29,531,984, A>G on the plus strand (T>C on the coding strand, the complement: ALK is on the minus strand). VCF-style: chr2-29531984-A-G. GRCh37 (hg19) VCF-style: chr2-29754850-A-G.
Other names: short protein forms I362T.
Identifiers: ClinVar variation 1005559 (VCV001005559.12), dbSNP rs1265733958, ClinGen allele CA346587304.